The following is an entry in ClinVar:

ClinVar aggregate classification (germline): Likely benign (0 of 4 stars; one submission).

Conditions:
EP300-related disorder. Also called: EP300-related disorders; EP300-related condition.

gnomAD v4.1: 6 of 1,614,028 alleles (0.00037%); highest among the groups gnomAD compares: South Asian, 0.0044%; no homozygotes.

Submission:

PreventionGenetics, part of Exact Sciences
Classification: Likely benign for EP300-related condition. Last evaluated: 2023-08-22. Review status: no assertion criteria provided. Collection method: clinical testing. Allele origin: germline.
Comment: This variant is classified as likely benign based on ACMG/AMP sequence variant interpretation guidelines (Richards et al. 2015 PMID: 25741868, with internal and published modifications).

NM_001429.4(EP300):c.6507C>T (p.Asn2169=)

Gene: EP300 (E1A binding protein p300; plus strand). Cytogenetic location: 22q13.2.
Variant type: single nucleotide variant.
Coding change: c.6507C>T on transcript NM_001429.4 (MANE Select); coding-DNA position 6507, C replaced by T.
Protein change: p.Asn2169=; no amino-acid change (asparagine 2169 retained).
Molecular consequence: synonymous variant.
Genome position (GRCh38, 1-based): chr22:41,178,218, C>T. VCF-style: chr22-41178218-C-T. GRCh37 (hg19) VCF-style: chr22-41574222-C-T.
Other names: c.6429C>T, p.Asn2143= (NM_001362843.2).
Identifiers: ClinVar variation 3355568 (VCV003355568.1).